The following is an entry in ClinVar:

NM_000465.4(BARD1):c.945A>G (p.Pro315=)

Gene: BARD1 (BRCA1 associated RING domain 1; minus strand). Cytogenetic location: 2q35.
Variant type: single nucleotide variant.
Coding change: c.945A>G on transcript NM_000465.4 (MANE Select); coding-DNA position 945, A replaced by G.
Protein change: p.Pro315=; no amino-acid change (proline 315 retained).
Molecular consequence: synonymous variant. On other transcripts: non-coding transcript variant (2), intron variant (3).
Genome position (GRCh38, 1-based): chr2:214,780,929, T>C on the plus strand (A>G on the coding strand, the complement: BARD1 is on the minus strand). VCF-style: chr2-214780929-T-C. GRCh37 (hg19) VCF-style: chr2-215645653-T-C.
Other names: c.888A>G, p.Pro296= (NM_001282543.2); c.159-28374A>G (NM_001282548.2); c.215+16132A>G (NM_001282545.2); c.364+11368A>G (NM_001282549.2).
Identifiers: ClinVar variation 460768 (VCV000460768.15), dbSNP rs876660284, ClinGen allele CA431391101.

ClinVar aggregate classification (germline): Benign/Likely benign. Review status: criteria provided, multiple submitters, no conflicts (2 of 4 stars). 3 submissions from 3 submitters: Benign (1); Likely benign (2). Last evaluated 2025-02-16.

Conditions:
Familial cancer of breast. Also called: BREAST CANCER, FAMILIAL; hereditary breast carcinoma; Hereditary breast cancer. Identifiers: Orphanet 227535, MedGen C0346153, MONDO:0016419, OMIM 114480. Disease mechanism: loss of function.
Hereditary cancer-predisposing syndrome. Also called: Neoplastic Syndromes, Hereditary; Tumor predisposition; Hereditary Cancer Syndrome; Hereditary neoplastic syndrome. Identifiers: Orphanet 140162, MedGen C0027672, MeSH D009386, MONDO:0015356.

gnomAD v4.1: 2 of 1,613,996 alleles (0.00012%); highest among the groups gnomAD compares: Non-Finnish European, 0.00017%; no homozygotes.

Submissions (3):

Labcorp Genetics (formerly Invitae), Labcorp
Classification: Likely benign for Familial cancer of breast. Last evaluated: 2025-02-16. Review status: criteria provided, single submitter. Criteria: Invitae Variant Classification Sherloc (09022015). Collection method: clinical testing. Allele origin: germline.

Myriad Genetics, Inc.
Classification: Benign for Familial cancer of breast. Last evaluated: 2024-07-23. Review status: criteria provided, single submitter. Criteria: Myriad Autosomal Dominant, Autosomal Recessive and X-Linked Classification Criteria (2023). Collection method: clinical testing. Allele origin: unknown.
Comment: This variant is considered benign. This variant is a silent/synonymous amino acid change and it is not expected to impact splicing.

Ambry Genetics
Classification: Likely benign for Hereditary cancer-predisposing syndrome. Last evaluated: 2020-01-20. Review status: criteria provided, single submitter. Criteria: Ambry Variant Classification Scheme 2023. Collection method: clinical testing. Allele origin: germline.